The following is an entry in ClinVar:

NM_000264.5(PTCH1):c.3624C>T (p.Ala1208=)

Gene: PTCH1 (patched 1; minus strand). Cytogenetic location: 9q22.32.
Variant type: single nucleotide variant.
Coding change: c.3624C>T on transcript NM_000264.5 (MANE Select); coding-DNA position 3624, C replaced by T.
Protein change: p.Ala1208=; no amino-acid change (alanine 1208 retained).
Molecular consequence: synonymous variant. On other transcripts: non-coding transcript variant (1).
Genome position (GRCh38, 1-based): chr9:95,449,249, G>A on the plus strand (C>T on the coding strand, the complement: PTCH1 is on the minus strand). VCF-style: chr9-95449249-G-A. GRCh37 (hg19) VCF-style: chr9-98211531-G-A.
Other names: c.3426C>T, p.Ala1142= (NM_001083602.3); c.3621C>T, p.Ala1207= (NM_001083603.3); c.3171C>T, p.Ala1057= (NM_001083604.3, NM_001083605.3, NM_001083606.3 and 1 more transcripts); c.3468C>T, p.Ala1156= (NM_001354918.2).
Identifiers: ClinVar variation 237482 (VCV000237482.26), dbSNP rs149691476, ClinGen allele CA5138100.

ClinVar aggregate classification (germline): Conflicting classifications of pathogenicity. Review status: criteria provided, conflicting classifications (1 of 4 stars). 7 submissions from 7 submitters: Uncertain significance (1); Benign (3); Likely benign (2). 1 of the submissions does not count toward it. Last evaluated 2026-02-03.

Conditions:
Basal cell carcinoma, susceptibility to, 1. Also called: BCC1. Identifiers: MedGen C2751544, MONDO:0011556, OMIM 605462.
Holoprosencephaly 7 (HPE7). Identifiers: Orphanet 2162, MedGen C1835820, MONDO:0012562, OMIM 610828.
Basal cell nevus syndrome 1 (BCNS1). Also called: GORLIN-GOLTZ SYNDROME; MULTIPLE BASAL CELL NEVI, ODONTOGENIC KERATOCYSTS, AND SKELETAL ANOMALIES. Identifiers: MedGen CN376810, MONDO:0958174, OMIM 109400.
PTCH1-related disorder. Also called: PTCH1-related disorders; PTCH1-related condition.
Hereditary cancer-predisposing syndrome. Also called: Tumor predisposition; Hereditary Cancer Syndrome; Hereditary neoplastic syndrome; Neoplastic Syndromes, Hereditary. Identifiers: Orphanet 140162, MedGen C0027672, MeSH D009386, MONDO:0015356.
Gorlin syndrome. Also called: Nevoid Basal Cell Carcinoma Syndrome; Basal cell nevus syndrome. Identifiers: Orphanet 377, MedGen C0004779, MONDO:0007187.

Allele frequency attached by ClinVar (database versions not stated): TOPMed 0.00058; 1000 Genomes Project 0.00120; ESP Exome Variant Server 0.00146; 1000 Genomes Project 30x 0.00187.
gnomAD v4.1: 145 of 1,575,610 alleles (0.0092%); highest among the groups gnomAD compares: African/African-American, 0.18%; no homozygotes.

Submissions (7):

Labcorp Genetics (formerly Invitae), Labcorp
Classification: Benign for Gorlin syndrome. Last evaluated: 2026-02-03. Review status: criteria provided, single submitter. Criteria: Invitae Variant Classification Sherloc (09022015). Collection method: clinical testing. Allele origin: germline.

Quest Diagnostics Nichols Institute San Juan Capistrano
Classification: Benign. Last evaluated: 2025-07-16. Review status: criteria provided, single submitter. Criteria: Quest Diagnostics criteria. Collection method: clinical testing. Allele origin: unknown.

Department of Pathology and Laboratory Medicine, Sinai Health System
Classification: Likely benign for Basal cell nevus syndrome 1; Basal cell carcinoma, susceptibility to, 1; Holoprosencephaly 7. Last evaluated: 2025-02-04. Review status: criteria provided, single submitter. Criteria: ACMG Guidelines, 2015. Collection method: clinical testing. Allele origin: germline.

Sema4
Classification: Benign for Hereditary cancer-predisposing syndrome. Last evaluated: 2021-06-16. Review status: criteria provided, single submitter. Criteria: Sema4 Curation Guidelines. Collection method: curation. Allele origin: germline.

Eurofins Ntd Llc (ga)
Classification: Uncertain significance. Last evaluated: 2018-03-12. Review status: criteria provided, single submitter. Criteria: EGL ClinVar v180209 classification definitions. Collection method: clinical testing. Allele origin: germline. Observed: 1 variant allele, 1 heterozygote.

Ambry Genetics
Classification: Likely benign for Hereditary cancer-predisposing syndrome. Last evaluated: 2017-08-17. Review status: criteria provided, single submitter. Criteria: Ambry Variant Classification Scheme 2023. Collection method: clinical testing. Allele origin: germline.

PreventionGenetics, part of Exact Sciences
Classification: Likely benign for PTCH1-related condition. Last evaluated: 2019-11-26. Review status: no assertion criteria provided. Collection method: clinical testing. Allele origin: germline. Not counted in ClinVar's aggregate classification.
Comment: This variant is classified as likely benign based on ACMG/AMP sequence variant interpretation guidelines (Richards et al. 2015 PMID: 25741868, with internal and published modifications).